The following is an entry in ClinVar:

ClinVar aggregate classification (germline): Uncertain significance (1 of 4 stars; one submission).

Conditions:
Xanthinuria type II. Also called: Xanthine dehydrogenase and aldehyde oxidase combined deficiency of; XDH and AOX dual deficiency. Identifiers: Orphanet 3467, Orphanet 93602, MedGen C1863688, MONDO:0011346, OMIM 603592.

Submission:

Labcorp Genetics (formerly Invitae), Labcorp
Classification: Uncertain significance for Xanthinuria type II. Last evaluated: 2025-08-21. Review status: criteria provided, single submitter. Criteria: Invitae Variant Classification Sherloc (09022015). Collection method: clinical testing. Allele origin: germline.
Comment: This sequence change falls in intron 16 of the XDH gene. It does not directly change the encoded amino acid sequence of the XDH protein. It affects a nucleotide within the consensus splice site. This variant is not present in population databases (gnomAD no frequency). This variant has not been reported in the literature in individuals affected with XDH-related conditions. ClinVar contains an entry for this variant (Variation ID: 1974652). Variants that disrupt the consensus splice site are a relatively common cause of aberrant splicing (PMID: 17576681, 9536098). Algorithms developed to predict the effect of sequence changes on RNA splicing suggest that this variant may disrupt the consensus splice site. In summary, the available evidence is currently insufficient to determine the role of this variant in disease. Therefore, it has been classified as a Variant of Uncertain Significance.

Literature cited by the submitters: PubMed 17576681; PubMed 9536098.

NM_000379.4(XDH):c.1686+4A>T

Gene: XDH (xanthine dehydrogenase; minus strand). Cytogenetic location: 2p23.1.
Variant type: single nucleotide variant.
Coding change: c.1686+4A>T on transcript NM_000379.4 (MANE Select); 4 bases into the intron after coding-DNA position 1686, A replaced by T.
Molecular consequence: intron variant.
Genome position (GRCh38, 1-based): chr2:31,373,869, T>A on the plus strand (A>T on the coding strand, the complement: XDH is on the minus strand). VCF-style: chr2-31373869-T-A. GRCh37 (hg19) VCF-style: chr2-31596735-T-A.
Identifiers: ClinVar variation 1974652 (VCV001974652.5), dbSNP rs1686148684, ClinGen allele CA1242119229.